The following is an entry in ClinVar:

NM_181426.2(CCDC39):c.136C>T (p.Arg46Cys)

Gene: CCDC39 (coiled-coil domain 39 molecular ruler complex subunit; minus strand). Cytogenetic location: 3q26.33.
Variant type: single nucleotide variant.
Coding change: c.136C>T on transcript NM_181426.2 (MANE Select); coding-DNA position 136, C replaced by T.
Protein change: p.Arg46Cys; replaces arginine 46 with cysteine.
Molecular consequence: missense variant.
Genome position (GRCh38, 1-based): chr3:180,663,941, G>A on the plus strand (C>T on the coding strand, the complement: CCDC39 is on the minus strand). VCF-style: chr3-180663941-G-A. GRCh37 (hg19) VCF-style: chr3-180381729-G-A.
Other names: short protein forms R46C.
Identifiers: ClinVar variation 3372257 (VCV003372257.4).

ClinVar aggregate classification (germline): Uncertain significance. Review status: criteria provided, multiple submitters, no conflicts (2 of 4 stars). 3 submissions from 3 submitters: Uncertain significance (3). Last evaluated 2025-06-04.

Conditions:
Primary ciliary dyskinesia. Also called: Ciliary dyskinesia. Identifiers: Orphanet 244, MedGen C0008780, MONDO:0016575, HP:0012265.

gnomAD v4.1: 12 of 1,611,500 alleles (0.00074%); highest among the groups gnomAD compares: Middle Eastern, 0.05%; no homozygotes.

Submissions (3):

Labcorp Genetics (formerly Invitae), Labcorp
Classification: Uncertain significance for Primary ciliary dyskinesia. Last evaluated: 2025-06-04. Review status: criteria provided, single submitter. Criteria: Invitae Variant Classification Sherloc (09022015). Collection method: clinical testing. Allele origin: germline.
Comment: This sequence change replaces arginine, which is basic and polar, with cysteine, which is neutral and slightly polar, at codon 46 of the CCDC39 protein (p.Arg46Cys). This variant is present in population databases (rs751312199, gnomAD 0.009%). This variant has not been reported in the literature in individuals affected with CCDC39-related conditions. ClinVar contains an entry for this variant (Variation ID: 3372257). An algorithm developed to predict the effect of missense changes on protein structure and function outputs the following: PolyPhen-2: "Benign". The cysteine amino acid residue is found in multiple mammalian species, which suggests that this missense change does not adversely affect protein function. In summary, the available evidence is currently insufficient to determine the role of this variant in disease. Therefore, it has been classified as a Variant of Uncertain Significance.

Ambry Genetics
Classification: Uncertain significance for Primary ciliary dyskinesia. Last evaluated: 2024-07-02. Review status: criteria provided, single submitter. Criteria: Ambry Variant Classification Scheme 2023. Collection method: clinical testing. Allele origin: germline.

GeneDx
Classification: Uncertain significance. Last evaluated: 2024-04-11. Review status: criteria provided, single submitter. Criteria: GeneDx Variant Classification Process June 2021. Collection method: clinical testing. Allele origin: germline. Affected: yes.
Comment: In silico analysis indicates that this missense variant does not alter protein structure/function; Has not been previously published as pathogenic or benign to our knowledge